The following is an entry in ClinVar:

NM_020975.6(RET):c.3245del (p.Gly1082fs)

Gene: RET (ret proto-oncogene; plus strand). Cytogenetic location: 10q11.21.
Variant type: Deletion.
Coding change: c.3245del on transcript NM_020975.6 (MANE Select); coding-DNA position 3245, one base deleted (G; older notation c.3245delG).
Protein change: p.Gly1082fs; shifts the reading frame from glycine 1082.
Molecular consequence: frameshift variant. On other transcripts: 3 prime UTR variant (18), intron variant (3).
Genome position (GRCh38, 1-based): chr10:43,128,169, G deleted; the last of 2 consecutive G bases (chr10:43,128,168-43,128,169); deleting either gives the same sequence. VCF-style (leftmost placement, unchanged base first): chr10-43128167-TG-T. GRCh37 (hg19) VCF-style: chr10-43623615-TG-T.
Other names: c.3245delG, p.Gly1082Alafs (NM_000323.2); c.*1415del (NM_001355216.2, NM_001406764.1, NM_001406765.1 and 15 more transcripts); c.3245del, p.Gly1082fs (NM_001406743.1); c.3185del, p.Gly1062fs (NM_001406759.1, NM_001406760.1); c.3116del, p.Gly1039fs (NM_001406761.1, NM_001406762.1); c.3110del, p.Gly1037fs (NM_001406763.1); c.2957del, p.Gly986fs (NM_001406766.1, NM_001406767.1); c.2849del, p.Gly950fs (NM_001406769.1); and 11 more; short protein forms G1037fs, G1039fs, G1062fs, G1082fs, G579fs, G599fs, G687fs, G740fs.
Identifiers: ClinVar variation 3227552 (VCV003227552.1), dbSNP rs1564502576, ClinGen allele CA592898088.

ClinVar aggregate classification (germline): Uncertain significance (1 of 4 stars; one submission).

Conditions:
Hereditary cancer-predisposing syndrome. Also called: Neoplastic Syndromes, Hereditary; Tumor predisposition; Hereditary neoplastic syndrome; Hereditary Cancer Syndrome. Identifiers: Orphanet 140162, MedGen C0027672, MeSH D009386, MONDO:0015356.

Submission:

Ambry Genetics
Classification: Uncertain significance for Hereditary cancer-predisposing syndrome. Last evaluated: 2024-01-18. Review status: criteria provided, single submitter. Criteria: Ambry Variant Classification Scheme 2023. Collection method: clinical testing. Allele origin: germline.
Comment: The c.3245delG variant, located in coding exon 20 of the RET gene, results from a deletion of one nucleotide at nucleotide position 3245, causing a translational frameshift with a predicted alternate stop codon (p.G1082Afs*27). This alteration occurs at the 3' terminus of theRET gene, is not expected to trigger nonsense-mediated mRNAdecay, and only impacts the last 34 amino acids of the protein. The exact functional effect of this alteration is unknown. Based on the available evidence, the clinical significance of this alteration remains unclear.